The following is an entry in ClinVar:

NM_005732.4(RAD50):c.413G>T (p.Arg138Leu)

Gene: RAD50 (RAD50 double strand break repair protein; plus strand). Cytogenetic location: 5q31.1.
Variant type: single nucleotide variant.
Coding change: c.413G>T on transcript NM_005732.4 (MANE Select); coding-DNA position 413, G replaced by T.
Protein change: p.Arg138Leu; replaces arginine 138 with leucine.
Molecular consequence: missense variant.
Genome position (GRCh38, 1-based): chr5:132,579,364, G>T. VCF-style: chr5-132579364-G-T. GRCh37 (hg19) VCF-style: chr5-131915056-G-T.
Other names: short protein forms R138L.
Identifiers: ClinVar variation 4842945 (VCV004842945.1).

ClinVar aggregate classification (germline): Uncertain significance (1 of 4 stars; one submission).

Conditions:
Hereditary cancer-predisposing syndrome. Also called: Neoplastic Syndromes, Hereditary; Tumor predisposition; Hereditary Cancer Syndrome; Hereditary neoplastic syndrome. Identifiers: Orphanet 140162, MedGen C0027672, MeSH D009386, MONDO:0015356.

Submission:

Ambry Genetics
Classification: Uncertain significance for Hereditary cancer-predisposing syndrome. Last evaluated: 2026-01-01. Review status: criteria provided, single submitter. Criteria: Ambry Variant Classification Scheme 2023. Collection method: clinical testing. Allele origin: germline.
Comment: The p.R138L variant (also known as c.413G>T), located in coding exon 4 of the RAD50 gene, results from a G to T substitution at nucleotide position 413. The arginine at codon 138 is replaced by leucine, an amino acid with dissimilar properties. This amino acid position is conserved. In addition, the in silico prediction for this alteration is inconclusive. Based on the available evidence, the clinical significance of this variant remains unclear.